The following is an entry in ClinVar:

ClinVar aggregate classification (germline): Uncertain significance (1 of 4 stars; one submission).

Conditions:
46,XY sex reversal 3. Also called: 46,XY GONADAL DYSGENESIS, PARTIAL OR COMPLETE, WITH OR WITHOUT ADRENAL FAILURE; DISORDER OF SEX DEVELOPMENT, 46,XY, NR5A1-RELATED; NR5A1-related 46,XY complete gonadal dysgenesis; SEX REVERSAL, XY, WITH OR WITHOUT ADRENAL FAILURE; 46,XY SEX REVERSAL, PARTIAL OR COMPLETE, NR5A1-RELATED. Identifiers: MedGen C3489793, MONDO:0013066, OMIM 612965.
Spermatogenic failure 8 (SPGF8). Identifiers: MedGen C3151406, MONDO:0013504, OMIM 613957.
46,XX sex reversal 4 (SRXX4). Also called: 46, XX sex reversal 4; 46,XX SEX REVERSAL, SRY-NEGATIVE. Identifiers: MedGen C4479552, MONDO:0060489, OMIM 617480.
Premature ovarian failure 7 (POF7). Identifiers: MedGen C2751825, MONDO:0013065, OMIM 612964.

Submission:

Juno Genomics, Hangzhou Juno Genomics, Inc
Classification: Uncertain significance for 46,XX sex reversal 4; 46,XY sex reversal 3; Premature ovarian failure 7; Spermatogenic failure 8. Review status: criteria provided, single submitter. Criteria: ACMG Guidelines, 2015. Collection method: clinical testing. Allele origin: germline. Affected: yes.
Comment: Absent from controls (or at extremely low frequency if recessive) in Genome Aggregation Database.;Multiple lines of computational evidence support a deleterious effect on the gene or gene product.;Missense variant in a gene that has a low rate of benign missense variation.

NM_004959.5(NR5A1):c.116G>A (p.Arg39His)

Gene: NR5A1 (nuclear receptor subfamily 5 group A member 1; minus strand). Cytogenetic location: 9q33.3.
Variant type: single nucleotide variant.
Coding change: c.116G>A on transcript NM_004959.5 (MANE Select); coding-DNA position 116, G replaced by A.
Protein change: p.Arg39His; replaces arginine 39 with histidine.
Molecular consequence: missense variant.
Genome position (GRCh38, 1-based): chr9:124,503,207, C>T on the plus strand (G>A on the coding strand, the complement: NR5A1 is on the minus strand). VCF-style: chr9-124503207-C-T. GRCh37 (hg19) VCF-style: chr9-127265486-C-T.
Other names: short protein forms R39H.
Identifiers: ClinVar variation 5019649 (VCV005019649.1).
Genomic context (GRCh38, chr9:124,503,207, plus strand): 5'-TTGTCGATCTTGCAGCTCTGGCTCTCGGTGCACGTGTAGTGCTTGTTGTTCTGCACCGTG[C>T]GCTTGAAGAAGCCCTGCGGGAGCTGAGAGTCAGCGAGGCCCCGCAGCGCCCGTCTGCCGC-3'
Protein context (NP_004950.2, residues 29-49): TCESCKGFFK[Arg39His]TVQNNKHYTC